The following is an entry in ClinVar:

ClinVar aggregate classification (germline): Conflicting classifications of pathogenicity. Review status: criteria provided, conflicting classifications (1 of 4 stars). 3 submissions from 3 submitters: Uncertain significance (2); Likely benign (1). Last evaluated 2022-01-12.

Conditions:
Hereditary cancer-predisposing syndrome. Also called: Tumor predisposition; Hereditary Cancer Syndrome; Neoplastic Syndromes, Hereditary; Hereditary neoplastic syndrome. Identifiers: Orphanet 140162, MedGen C0027672, MeSH D009386, MONDO:0015356.
Ataxia-telangiectasia syndrome (AT). Also called: Cerebello-oculocutaneous telangiectasia; Immunodeficiency with ataxia telangiectasia; Ataxia-telangiectasia, complementation group D; AT, COMPLEMENTATION GROUP C; Ataxia-telangiectasia, complementation group E; LOUIS-BAR SYNDROME. Identifiers: Orphanet 100, MedGen C0004135, MONDO:0008840, OMIM 208900.

Submissions (3):

Ambry Genetics
Classification: Likely benign for Hereditary cancer-predisposing syndrome. Last evaluated: 2022-01-12. Review status: criteria provided, single submitter. Criteria: Ambry Variant Classification Scheme 2023. Collection method: clinical testing. Allele origin: germline.

Color Diagnostics, LLC DBA Color Health
Classification: Uncertain significance for Hereditary cancer-predisposing syndrome. Last evaluated: 2019-11-14. Review status: criteria provided, single submitter. Criteria: ACMG Guidelines, 2015. Collection method: clinical testing. Allele origin: germline.
Comment: This missense variant replaces valine with alanine at codon 4 of the ATM protein. Computational prediction tool suggests that this variant may not impact protein structure and function (internally defined REVEL score threshold ≤0.5, PMID: 27666373). Splice site prediction tools suggest that this variant may not impact RNA splicing. To our knowledge, functional studies have not been performed for this variant. This variant has not been reported in individuals affected with hereditary cancer in the literature. This variant has not been identified in the general population by the Genome Aggregation Database (gnomAD). The available evidence is insufficient to determine the role of this variant in disease conclusively. Therefore, this variant is classified as a Variant of Uncertain Significance.

Labcorp Genetics (formerly Invitae), Labcorp
Classification: Uncertain significance for Ataxia-telangiectasia syndrome. Last evaluated: 2017-06-28. Review status: criteria provided, single submitter. Criteria: Invitae Variant Classification Sherloc (09022015). Collection method: clinical testing. Allele origin: germline.
Comment: This sequence change replaces valine with alanine at codon 4 of the ATM protein (p.Val4Ala). The valine residue is weakly conserved and there is a small physicochemical difference between valine and alanine. In summary, the available evidence is currently insufficient to determine the role of this variant in disease. Therefore, it has been classified as a Variant of Uncertain Significance. Algorithms developed to predict the effect of missense changes on protein structure and function output the following: SIFT: "Tolerated"; PolyPhen-2: "Benign"; Align-GVGD: "Class C0". The alanine amino acid residue is found in multiple mammalian species, suggesting that this missense change does not adversely affect protein function. These predictions have not been confirmed by published functional studies and their clinical significance is uncertain. This variant has not been reported in the literature in individuals with ATM-related disease. This variant is not present in population databases (ExAC no frequency).

NM_000051.4(ATM):c.11T>C (p.Val4Ala)

Gene: ATM (ATM serine/threonine kinase; plus strand). Cytogenetic location: 11q22.3.
Variant type: single nucleotide variant.
Coding change: c.11T>C on transcript NM_000051.4 (MANE Select); coding-DNA position 11, T replaced by C.
Protein change: p.Val4Ala; replaces valine 4 with alanine.
Molecular consequence: missense variant.
Genome position (GRCh38, 1-based): chr11:108,227,635, T>C. VCF-style: chr11-108227635-T-C. GRCh37 (hg19) VCF-style: chr11-108098362-T-C.
Other names: c.11T>C, p.Val4Ala (NM_001351834.2, NM_001351835.2, NM_001351836.2); short protein forms V4A.
Identifiers: ClinVar variation 453356 (VCV000453356.13), dbSNP rs1555053873, ClinGen allele CA382518955.